The following is an entry in ClinVar:

ClinVar aggregate classification (germline): Uncertain significance (1 of 4 stars; one submission).

Conditions:
Epilepsy, childhood absence, susceptibility to, 1. Also called: Epilepsy, childhood absence 1. Identifiers: Orphanet 64280, MedGen C1838604, MONDO:0020759, OMIM 600131.
Epilepsy, childhood absence, susceptibility to, 5. Identifiers: Orphanet 64280, MedGen C2677087, MONDO:0012843, OMIM 612269.

Submission:

Labcorp Genetics (formerly Invitae), Labcorp
Classification: Uncertain significance for Epilepsy, childhood absence, susceptibility to, 5; Epilepsy, childhood absence, susceptibility to, 1. Last evaluated: 2024-06-11. Review status: criteria provided, single submitter. Criteria: Invitae Variant Classification Sherloc (09022015). Collection method: clinical testing. Allele origin: germline.
Comment: This sequence change replaces methionine, which is neutral and non-polar, with threonine, which is neutral and polar, at codon 311 of the GABRB3 protein (p.Met311Thr). This variant is not present in population databases (gnomAD no frequency). This variant has not been reported in the literature in individuals affected with GABRB3-related conditions. ClinVar contains an entry for this variant (Variation ID: 1005810). Advanced modeling of protein sequence and biophysical properties (such as structural, functional, and spatial information, amino acid conservation, physicochemical variation, residue mobility, and thermodynamic stability) performed at Invitae indicates that this missense variant is expected to disrupt GABRB3 protein function with a positive predictive value of 80%. In summary, the available evidence is currently insufficient to determine the role of this variant in disease. Therefore, it has been classified as a Variant of Uncertain Significance.

NM_000814.6(GABRB3):c.932T>C (p.Met311Thr)

Gene: GABRB3 (gamma-aminobutyric acid type A receptor subunit beta3; minus strand). Cytogenetic location: 15q12.
Variant type: single nucleotide variant.
Coding change: c.932T>C on transcript NM_000814.6 (MANE Select); coding-DNA position 932, T replaced by C.
Protein change: p.Met311Thr; replaces methionine 311 with threonine.
Molecular consequence: missense variant.
Genome position (GRCh38, 1-based): chr15:26,561,080, A>G on the plus strand (T>C on the coding strand, the complement: GABRB3 is on the minus strand). VCF-style: chr15-26561080-A-G. GRCh37 (hg19) VCF-style: chr15-26806227-A-G.
Other names: c.677T>C, p.Met226Thr (NM_001191320.2, NM_001278631.2); c.719T>C, p.Met240Thr (NM_001191321.3); c.932T>C, p.Met311Thr (NM_021912.5); short protein forms M226T, M240T, M311T.
Identifiers: ClinVar variation 1005810 (VCV001005810.8), dbSNP rs1889964664, ClinGen allele CA391462009.
Genomic context (GRCh38, chr15:26,561,080, plus strand): 5'-AAAATGTAGTTGACAAAGGCATACTCCAGAAGGGCCAGGAACACAAAGACGAAGCAGCCC[A>G]TAAGGTACATGTCAATGGCTTTGACATAGGGGATTTTGGGCAAGGTCTCCCGAAGGTGGG-3'
Protein context (NP_000805.1, residues 301-321): PYVKAIDMYL[Met311Thr]GCFVFVFLAL